The following is an entry in ClinVar:

ClinVar aggregate classification (germline): Uncertain significance (1 of 4 stars; one submission).

Allele frequency attached by ClinVar (database versions not stated): gnomAD exomes below 0.00001; TOPMed below 0.00001; ExAC 0.00001; ESP Exome Variant Server 0.00009.
gnomAD v4.1: 1 of 1,514,314 alleles (0.000066%); highest among the groups gnomAD compares: African/African-American, 0.0014%; no homozygotes.

Submission:

Labcorp Genetics (formerly Invitae), Labcorp
Classification: Uncertain significance. Last evaluated: 2023-04-10. Review status: criteria provided, single submitter. Criteria: Invitae Variant Classification Sherloc (09022015). Collection method: clinical testing. Allele origin: germline.
Comment: Algorithms developed to predict the effect of sequence changes on RNA splicing suggest that this variant may disrupt the consensus splice site. In summary, the available evidence is currently insufficient to determine the role of this variant in disease. Therefore, it has been classified as a Variant of Uncertain Significance. An algorithm developed to predict the effect of missense changes on protein structure and function (PolyPhen-2) suggests that this variant is likely to be disruptive. This missense change has been observed in individual(s) with clinical features of short-rib thoracic dysplasia (Invitae). In at least one individual the data is consistent with being in trans (on the opposite chromosome) from a pathogenic variant. This variant is present in population databases (rs368792138, gnomAD 0.007%). This sequence change replaces valine, which is neutral and non-polar, with methionine, which is neutral and non-polar, at codon 490 of the IFT81 protein (p.Val490Met).

NM_014055.4(IFT81):c.1468G>A (p.Val490Met)

Gene: IFT81 (intraflagellar transport 81; plus strand). Cytogenetic location: 12q24.11.
Variant type: single nucleotide variant.
Coding change: c.1468G>A on transcript NM_014055.4 (MANE Select); coding-DNA position 1468, G replaced by A.
Protein change: p.Val490Met; replaces valine 490 with methionine.
Molecular consequence: missense variant. On other transcripts: non-coding transcript variant (4).
Genome position (GRCh38, 1-based): chr12:110,192,617, G>A. VCF-style: chr12-110192617-G-A. GRCh37 (hg19) VCF-style: chr12-110630422-G-A.
Other names: c.1468G>A, p.Val490Met (NM_001143779.2); c.538G>A, p.Val180Met (NM_001347947.2, NM_001347948.2); short protein forms V180M, V490M.
Identifiers: ClinVar variation 2869904 (VCV002869904.2), dbSNP rs368792138, ClinGen allele CA6783386.
Genomic context (GRCh38, chr12:110,192,617, plus strand): 5'-GTAGTATTTTTCTTTTTTTGAATTCTTTTTTAGGTGTTATATTTTTTGTTCAAATAACAG[G>A]TGAAAAAACTGTATTCATTGGTATCTGAAAAGAAGTCAGCTCTTGCCTCAGTTATAAAAG-3'
Protein context (NP_054774.2, residues 480-500): GRTLDDMSEM[Val490Met]KKLYSLVSEK